The following is an entry in ClinVar:

NM_003718.5(CDK13):c.2815C>T (p.Pro939Ser)

Gene: CDK13 (cyclin dependent kinase 13; plus strand). Cytogenetic location: 7p14.1.
Variant type: single nucleotide variant.
Coding change: c.2815C>T on transcript NM_003718.5 (MANE Select); coding-DNA position 2815, C replaced by T.
Protein change: p.Pro939Ser; replaces proline 939 with serine.
Molecular consequence: missense variant.
Genome position (GRCh38, 1-based): chr7:40,078,039, C>T. VCF-style: chr7-40078039-C-T. GRCh37 (hg19) VCF-style: chr7-40117638-C-T.
Other names: c.2815C>T, p.Pro939Ser (NM_031267.4); short protein forms P939S.
Identifiers: ClinVar variation 4532070 (VCV004532070.1).
Genomic context (GRCh38, chr7:40,078,039, plus strand): 5'-TGTACTTCCTTTTGTGTGTTGCTTAGCCGAATATGTGGGAGTCCATGTCCTGCAGTGTGG[C>T]CTGATGTAATCAAACTACCATATTTCAACACCATGAAACCAAAGAAGCAATATCGTCGAA-3'
Protein context (NP_003709.3, residues 929-949): ICGSPCPAVW[Pro939Ser]DVIKLPYFNT

ClinVar aggregate classification (germline): Uncertain significance (1 of 4 stars; one submission).

Conditions:
Congenital heart defects, dysmorphic facial features, and intellectual developmental disorder (CHDFIDD). Identifiers: Orphanet 646278, MedGen C4479246, MONDO:0044302, OMIM 617360.

Submission:

Victorian Clinical Genetics Services, Murdoch Childrens Research Institute
Classification: Uncertain significance for Congenital heart defects, dysmorphic facial features, and intellectual developmental disorder. Last evaluated: 2025-03-13. Review status: criteria provided, single submitter. Criteria: ACMG Guidelines, 2015. Collection method: clinical testing. Allele origin: germline. Affected: yes.
Comment: This variant is classified as VUS-3A. Evidence in support of pathogenic classification: Variant is absent from gnomAD (v2, v3 and v4); Missense variant in a region that is highly intolerant to missense variation (high constraint region in DECIPHER). Additional information: Variant is predicted to result in a missense amino acid change from proline to serine; This variant is heterozygous; This gene is associated with autosomal dominant disease; Alternative amino acid change(s) at the same position are present in gnomAD (Highest allele count: v4: 1 heterozygote(s), 0 homozygote(s)); This variant has no previous evidence of pathogenicity; No published segregation evidence has been identified for this variant; No published functional evidence has been identified for this variant; No comparable missense variants have previous evidence for pathogenicity; Missense variant with inconclusive in silico prediction and/or uninformative conservation; The mechanism of disease for this gene is not clearly established. Loss of function and dominant negative are suggested mechanisms of disease (PMIDs: 29393965, 30904094, 32762766); Inheritance information for this variant is not currently available in this individual.

Literature cited by the submitters: PubMed 32762766; PubMed 30904094; PubMed 29393965.